The following is an entry in ClinVar:

ClinVar aggregate classification (germline): Uncertain significance (1 of 4 stars; one submission).

Conditions:
Baller-Gerold syndrome (BGS). Also called: CRANIOSYNOSTOSIS WITH RADIAL DEFECTS. Identifiers: Orphanet 1225, MedGen C0265308, MONDO:0009039, OMIM 218600.

Allele frequency attached by ClinVar (database versions not stated): TOPMed below 0.00001; ExAC 0.00001; gnomAD 0.00001; gnomAD exomes 0.00001.
gnomAD v4.1: 8 of 1,611,956 alleles (0.0005%); highest among the groups gnomAD compares: South Asian, 0.0033%; no homozygotes.

Submission:

Labcorp Genetics (formerly Invitae), Labcorp
Classification: Uncertain significance for Baller-Gerold syndrome. Last evaluated: 2021-12-25. Review status: criteria provided, single submitter. Criteria: Invitae Variant Classification Sherloc (09022015). Collection method: clinical testing. Allele origin: germline.
Comment: In summary, the available evidence is currently insufficient to determine the role of this variant in disease. Therefore, it has been classified as a Variant of Uncertain Significance. ClinVar contains an entry for this variant (Variation ID: 847089). This sequence change replaces cysteine, which is neutral and slightly polar, with glycine, which is neutral and non-polar, at codon 925 of the RECQL4 protein (p.Cys925Gly). This variant is present in population databases (rs765510227, gnomAD 0.007%). This variant has not been reported in the literature in individuals affected with RECQL4-related conditions.

NM_004260.4(RECQL4):c.2773T>G (p.Cys925Gly)

Gene: RECQL4 (RecQ like helicase 4; minus strand). Cytogenetic location: 8q24.3.
Variant type: single nucleotide variant.
Coding change: c.2773T>G on transcript NM_004260.4 (MANE Select); coding-DNA position 2773, T replaced by G.
Protein change: p.Cys925Gly; replaces cysteine 925 with glycine.
Molecular consequence: missense variant.
Genome position (GRCh38, 1-based): chr8:144,512,754, A>C on the plus strand (T>G on the coding strand, the complement: RECQL4 is on the minus strand). VCF-style: chr8-144512754-A-C. GRCh37 (hg19) VCF-style: chr8-145738137-A-C.
Other names: short protein forms C925G.
Identifiers: ClinVar variation 847089 (VCV000847089.6), dbSNP rs765510227, ClinGen allele CA4948079.